The following is an entry in ClinVar:

ClinVar aggregate classification (germline): Likely pathogenic (1 of 4 stars; one submission).

Conditions:
Myofibrillar myopathy 5. Also called: Filaminopathy (type); FILAMINOPATHY, AUTOSOMAL DOMINANT. Identifiers: Orphanet 171445, MedGen C1836050, MONDO:0012289, OMIM 609524.
Distal myopathy with posterior leg and anterior hand involvement. Also called: WILLIAMS DISTAL MYOPATHY. Identifiers: Orphanet 63273, MedGen C3279722, MONDO:0013550, OMIM 614065.
Hypertrophic cardiomyopathy 26. Also called: Cardiomyopathy, familial hypertrophic, 26. Identifiers: Orphanet 75249, MedGen C4310749, MONDO:0014883, OMIM 617047.

Submission:

Labcorp Genetics (formerly Invitae), Labcorp
Classification: Likely pathogenic for Distal myopathy with posterior leg and anterior hand involvement; Myofibrillar myopathy 5; Hypertrophic cardiomyopathy 26. Last evaluated: 2023-08-28. Review status: criteria provided, single submitter. Criteria: Invitae Variant Classification Sherloc (09022015). Collection method: clinical testing. Allele origin: germline.
Comment: In summary, the currently available evidence indicates that the variant is pathogenic, but additional data are needed to prove that conclusively. Therefore, this variant has been classified as Likely Pathogenic. Algorithms developed to predict the effect of sequence changes on RNA splicing suggest that this variant may disrupt the consensus splice site. ClinVar contains an entry for this variant (Variation ID: 1477916). This variant has not been reported in the literature in individuals affected with FLNC-related conditions. This variant is not present in population databases (gnomAD no frequency). This sequence change affects an acceptor splice site in intron 32 of the FLNC gene. It is expected to disrupt RNA splicing. Variants that disrupt the donor or acceptor splice site typically lead to a loss of protein function (PMID: 16199547), and loss-of-function variants in FLNC are known to be pathogenic (PMID: 27908349).

Literature cited by the submitters: PubMed 16199547; PubMed 27908349.

NM_001458.5(FLNC):c.5399-2A>C

Genes: FLNC (filamin C; plus strand), FLNC-AS1 (FLNC antisense RNA 1; minus strand). Cytogenetic location: 7q32.1.
Variant type: single nucleotide variant.
Coding change: c.5399-2A>C on transcript NM_001458.5 (MANE Select); the canonical splice acceptor site of the intron before coding-DNA position 5399, A replaced by C.
Molecular consequence: splice acceptor variant.
Genome position (GRCh38, 1-based): chr7:128,850,801, A>C. VCF-style: chr7-128850801-A-C. GRCh37 (hg19) VCF-style: chr7-128490855-A-C.
Other names: c.5300-2A>C (NM_001127487.2).
Identifiers: ClinVar variation 1477916 (VCV001477916.6), dbSNP rs2128938204, ClinGen allele CA369206530.